The following is an entry in ClinVar:

NM_000719.7(CACNA1C):c.2825C>G (p.Thr942Ser)

Gene: CACNA1C (calcium voltage-gated channel subunit alpha1 C; plus strand). Cytogenetic location: 12p13.33.
Variant type: single nucleotide variant.
Coding change: c.2825C>G on transcript NM_000719.7 (MANE Select); coding-DNA position 2825, C replaced by G.
Protein change: p.Thr942Ser; replaces threonine 942 with serine.
Molecular consequence: missense variant. On other transcripts: intron variant (8).
Genome position (GRCh38, 1-based): chr12:2,597,261, C>G. VCF-style: chr12-2597261-C-G. GRCh37 (hg19) VCF-style: chr12-2706427-C-G.
Other names: c.2825C>G, p.Thr942Ser (NM_001129837.2, NM_001129839.2, NM_001129842.2 and 10 more transcripts); c.2816C>G, p.Thr939Ser (NM_001129844.2); c.2794-176C>G (NM_001129840.2, NM_001129836.2, NM_001129841.2 and 5 more transcripts); short protein forms T939S, T942S.
Identifiers: ClinVar variation 3025984 (VCV003025984.22), dbSNP rs1200972649, ClinGen allele CA383372739.

ClinVar aggregate classification (germline): Uncertain significance (1 of 4 stars; one submission).

Allele frequency attached by ClinVar (database versions not stated): gnomAD exomes below 0.00001.
gnomAD v4.1: 3 of 1,612,250 alleles (0.00019%); highest among the groups gnomAD compares: Middle Eastern, 0.017%; no homozygotes.

Submission:

CeGaT Center for Human Genetics Tuebingen
Classification: Uncertain significance. Last evaluated: 2024-01-01. Review status: criteria provided, single submitter. Criteria: CeGaT Center For Human Genetics Tuebingen Variant Classification Criteria Version 2. Collection method: clinical testing. Allele origin: germline. Affected: yes. Observed: 1 variant allele.
Comment: CACNA1C: PM2:Supporting, PP2